The following is an entry in ClinVar:

ClinVar aggregate classification (germline): Likely benign. Review status: criteria provided, multiple submitters, no conflicts (2 of 4 stars). 7 submissions from 7 submitters: Likely benign (4). 3 of the submissions do not count toward it. Last evaluated 2025-08-13.

Conditions:
alpha Thalassemia. Also called: Alpha thalassemia spectrum. Identifiers: Orphanet 846, MedGen C0002312, MONDO:0011399, OMIM 604131.
HBA2-related disorder. Also called: HBA2-related condition.

Allele frequency attached by ClinVar (database versions not stated): ExAC 0.00001; gnomAD 0.00001; gnomAD exomes 0.00001 and 0.00002; TOPMed 0.00002.
gnomAD v4.1: 33 of 1,608,294 alleles (0.0021%); highest among the groups gnomAD compares: East Asian, 0.0089%; 2 homozygotes.

Submissions (7):

Quest Diagnostics Nichols Institute San Juan Capistrano
Classification: Likely benign. Last evaluated: 2025-08-13. Review status: criteria provided, single submitter. Criteria: Quest Diagnostics criteria. Collection method: clinical testing. Allele origin: unknown.

ARUP Laboratories, Molecular Genetics and Genomics, ARUP Laboratories
Classification: Likely benign. Last evaluated: 2025-06-24. Review status: criteria provided, single submitter. Criteria: ARUP Molecular Germline Variant Investigation Process 2024. Collection method: clinical testing. Allele origin: germline.

Women's Health and Genetics/Laboratory Corporation of America, LabCorp
Classification: Likely benign. Last evaluated: 2023-05-25. Review status: criteria provided, single submitter. Criteria: LabCorp Variant Classification Summary - May 2015. Collection method: clinical testing. Allele origin: germline.

Labcorp Genetics (formerly Invitae), Labcorp
Classification: Likely benign. Last evaluated: 2018-12-10. Review status: criteria provided, single submitter. Criteria: Invitae Variant Classification Sherloc (09022015). Collection method: clinical testing. Allele origin: germline.

Natera, Inc.
Classification: Likely benign for Alpha thalassemia. Last evaluated: 2020-09-16. Review status: no assertion criteria provided. Collection method: clinical testing. Allele origin: germline. Not counted in ClinVar's aggregate classification.

PreventionGenetics, part of Exact Sciences
Classification: Likely benign for HBA2-related condition. Last evaluated: 2020-06-22. Review status: no assertion criteria provided. Collection method: clinical testing. Allele origin: germline. Not counted in ClinVar's aggregate classification.
Comment: This variant is classified as likely benign based on ACMG/AMP sequence variant interpretation guidelines (Richards et al. 2015 PMID: 25741868, with internal and published modifications).

The ITHANET community portal, The Cyprus Institute of Neurology and Genetics
Classification: Benign for alpha Thalassemia. Last evaluated: 2019-11-25. Review status: no assertion criteria provided. Collection method: curation. Allele origin: germline. Not counted in ClinVar's aggregate classification.

Literature cited by the submitters: PubMed 8829628 (cited by Quest Diagnostics Nichols Institute San Juan Capistrano and The ITHANET community portal, The Cyprus Institute of Neurology and Genetics); PubMed 24018802 (cited by Quest Diagnostics Nichols Institute San Juan Capistrano).

NM_000517.6(HBA2):c.414C>T (p.Thr138=)

Genes: HBA2 (hemoglobin subunit alpha 2; plus strand), LOC106804612 (hemoglobin subunit alpha 2 recombination region; plus strand). Cytogenetic location: 16p13.3.
Variant type: single nucleotide variant.
Coding change: c.414C>T on transcript NM_000517.6 (MANE Select); coding-DNA position 414, C replaced by T.
Protein change: p.Thr138=; no amino-acid change (threonine 138 retained).
Molecular consequence: synonymous variant.
Genome position (GRCh38, 1-based): chr16:173,585, C>T. VCF-style: chr16-173585-C-T. GRCh37 (hg19) VCF-style: chr16-223584-C-T.
Other names: CD 137 ACC>ACT.
Identifiers: ClinVar variation 725759 (VCV000725759.24), dbSNP rs371394396, ClinGen allele CA7770186.